The following is an entry in ClinVar:

NM_000051.4(ATM):c.4939C>G (p.Leu1647Val)

Gene: ATM (ATM serine/threonine kinase; plus strand). Cytogenetic location: 11q22.3.
Variant type: single nucleotide variant.
Coding change: c.4939C>G on transcript NM_000051.4 (MANE Select); coding-DNA position 4939, C replaced by G.
Protein change: p.Leu1647Val; replaces leucine 1647 with valine.
Molecular consequence: missense variant.
Genome position (GRCh38, 1-based): chr11:108,297,316, C>G. VCF-style: chr11-108297316-C-G. GRCh37 (hg19) VCF-style: chr11-108168043-C-G.
Other names: c.4939C>G, p.Leu1647Val (NM_001351834.2); short protein forms L1647V.
Identifiers: ClinVar variation 3966825 (VCV003966825.1).

ClinVar aggregate classification (germline): Uncertain significance (1 of 4 stars; one submission).

Conditions:
Hereditary cancer-predisposing syndrome. Also called: Tumor predisposition; Hereditary neoplastic syndrome; Hereditary Cancer Syndrome; Neoplastic Syndromes, Hereditary. Identifiers: Orphanet 140162, MedGen C0027672, MeSH D009386, MONDO:0015356.

Submission:

Ambry Genetics
Classification: Uncertain significance for Hereditary cancer-predisposing syndrome. Last evaluated: 2025-04-29. Review status: criteria provided, single submitter. Criteria: Ambry Variant Classification Scheme 2023. Collection method: clinical testing. Allele origin: germline.
Comment: The p.L1647V variant (also known as c.4939C>G), located in coding exon 32 of the ATM gene, results from a C to G substitution at nucleotide position 4939. The leucine at codon 1647 is replaced by valine, an amino acid with highly similar properties. This amino acid position is conserved. In addition, the in silico prediction for this alteration is inconclusive. Based on the available evidence, the clinical significance of this variant remains unclear.